The following is an entry in ClinVar:

NM_000245.4(MET):c.2818T>G (p.Ser940Ala)

Gene: MET (MET proto-oncogene, receptor tyrosine kinase; plus strand). Cytogenetic location: 7q31.2.
Variant type: single nucleotide variant.
Coding change: c.2818T>G on transcript NM_000245.4 (MANE Select); coding-DNA position 2818, T replaced by G.
Protein change: p.Ser940Ala; replaces serine 940 with alanine.
Molecular consequence: missense variant.
Genome position (GRCh38, 1-based): chr7:116,771,585, T>G. VCF-style: chr7-116771585-T-G. GRCh37 (hg19) VCF-style: chr7-116411639-T-G.
Other names: c.2872T>G, p.Ser958Ala (NM_001127500.3); c.1528T>G, p.Ser510Ala (NM_001324402.2); short protein forms S510A, S940A, S958A.
Identifiers: ClinVar variation 4704446 (VCV004704446.1).

ClinVar aggregate classification (germline): Uncertain significance (1 of 4 stars; one submission).

Conditions:
Renal cell carcinoma. Identifiers: Orphanet 217071, MedGen C0007134, MeSH D002292, MONDO:0005086, HP:0005584.

gnomAD v4.1: 1 of 1,613,798 alleles (0.000062%); highest among the groups gnomAD compares: Non-Finnish European, 0.000085%; no homozygotes.

Submission:

Labcorp Genetics (formerly Invitae), Labcorp
Classification: Uncertain significance for Renal cell carcinoma. Last evaluated: 2025-08-11. Review status: criteria provided, single submitter. Criteria: Invitae Variant Classification Sherloc (09022015). Collection method: clinical testing. Allele origin: germline.
Comment: This sequence change replaces serine, which is neutral and polar, with alanine, which is neutral and non-polar, at codon 958 of the MET protein (p.Ser958Ala). This variant is present in population databases (no rsID available, gnomAD 0.0009%). This variant has not been reported in the literature in individuals affected with MET-related conditions. Invitae Evidence Modeling of protein sequence and biophysical properties (such as structural, functional, and spatial information, amino acid conservation, physicochemical variation, residue mobility, and thermodynamic stability) indicates that this missense variant is not expected to disrupt MET protein function with a negative predictive value of 80%. In summary, the available evidence is currently insufficient to determine the role of this variant in disease. Therefore, it has been classified as a Variant of Uncertain Significance.